The following is an entry in ClinVar:

NM_002439.5(MSH3):c.2103_2106del (p.Glu701fs)

Gene: MSH3 (mutS homolog 3; plus strand). Cytogenetic location: 5q14.1.
Variant type: Deletion.
Coding change: c.2103_2106del on transcript NM_002439.5 (MANE Select); coding-DNA positions 2103 to 2106, 4 bases deleted (ATTA; older notation c.2103_2106delATTA).
Protein change: p.Glu701fs; shifts the reading frame from glutamic acid 701.
Molecular consequence: frameshift variant.
Genome position (GRCh38, 1-based): chr5:80,768,853-80,768,856, ATTA deleted; deleting any 4 consecutive bases within chr5:80,768,852-80,768,856 gives the same sequence; the c. name uses the placement nearest the transcript's 3' end. VCF-style (leftmost placement, unchanged base first): chr5-80768851-GAATT-G. GRCh37 (hg19) VCF-style: chr5-80064670-GAATT-G.
Other names: short protein forms E701fs.
Identifiers: ClinVar variation 1785946 (VCV001785946.2), dbSNP rs2546774178, ClinGen allele CA2580073506.

ClinVar aggregate classification (germline): Pathogenic (1 of 4 stars; one submission).

Conditions:
Hereditary cancer-predisposing syndrome. Also called: Neoplastic Syndromes, Hereditary; Tumor predisposition; Hereditary Cancer Syndrome; Hereditary neoplastic syndrome. Identifiers: Orphanet 140162, MedGen C0027672, MeSH D009386, MONDO:0015356.

Submission:

Ambry Genetics
Classification: Pathogenic for Hereditary cancer-predisposing syndrome. Last evaluated: 2020-01-04. Review status: criteria provided, single submitter. Criteria: Ambry Variant Classification Scheme 2023. Collection method: clinical testing. Allele origin: germline.
Comment: The c.2103_2106delATTA pathogenic mutation, located in coding exon 15 of the MSH3 gene, results from a deletion of 4 nucleotides at nucleotide positions 2103 to 2106, causing a translational frameshift with a predicted alternate stop codon (p.E701Dfs*10). This alteration is expected to result in loss of function by premature protein truncation or nonsense-mediated mRNA decay. As such, this alteration is interpreted as a disease-causing mutation.